The following is an entry in ClinVar:

NM_031935.3(HMCN1):c.1223A>G (p.Tyr408Cys)

Gene: HMCN1 (hemicentin 1; plus strand). Cytogenetic location: 1q31.1.
Variant type: single nucleotide variant.
Coding change: c.1223A>G on transcript NM_031935.3 (MANE Select); coding-DNA position 1223, A replaced by G.
Protein change: p.Tyr408Cys; replaces tyrosine 408 with cysteine.
Molecular consequence: missense variant.
Genome position (GRCh38, 1-based): chr1:185,923,591, A>G. VCF-style: chr1-185923591-A-G. GRCh37 (hg19) VCF-style: chr1-185892723-A-G.
Other names: short protein forms Y408C.
Identifiers: ClinVar variation 1965490 (VCV001965490.5), dbSNP rs1245900443, ClinGen allele CA343894189.

ClinVar aggregate classification (germline): Uncertain significance (1 of 4 stars; one submission).

Allele frequency attached by ClinVar (database versions not stated): gnomAD 0.00001; gnomAD exomes 0.00001.
gnomAD v4.1: 12 of 1,607,274 alleles (0.00075%); highest among the groups gnomAD compares: Middle Eastern, 0.017%; no homozygotes.

Submission:

Labcorp Genetics (formerly Invitae), Labcorp
Classification: Uncertain significance. Last evaluated: 2025-01-03. Review status: criteria provided, single submitter. Criteria: Invitae Variant Classification Sherloc (09022015). Collection method: clinical testing. Allele origin: germline.
Comment: This sequence change replaces tyrosine, which is neutral and polar, with cysteine, which is neutral and slightly polar, at codon 408 of the HMCN1 protein (p.Tyr408Cys). This variant is present in population databases (no rsID available, gnomAD 0.0009%). This variant has not been reported in the literature in individuals affected with HMCN1-related conditions. ClinVar contains an entry for this variant (Variation ID: 1965490). An algorithm developed to predict the effect of missense changes on protein structure and function (PolyPhen-2) suggests that this variant is likely to be disruptive. In summary, the available evidence is currently insufficient to determine the role of this variant in disease. Therefore, it has been classified as a Variant of Uncertain Significance.